The following is an entry in ClinVar:

NM_002354.3(EPCAM):c.681T>A (p.His227Gln)

Gene: EPCAM (epithelial cell adhesion molecule; plus strand). Cytogenetic location: 2p21.
Variant type: single nucleotide variant.
Coding change: c.681T>A on transcript NM_002354.3 (MANE Select); coding-DNA position 681, T replaced by A.
Protein change: p.His227Gln; replaces histidine 227 with glutamine.
Molecular consequence: missense variant.
Genome position (GRCh38, 1-based): chr2:47,379,792, T>A. VCF-style: chr2-47379792-T-A. GRCh37 (hg19) VCF-style: chr2-47606931-T-A.
Other names: short protein forms H227Q.
Identifiers: ClinVar variation 5036025 (VCV005036025.1).

ClinVar aggregate classification (germline): Uncertain significance (1 of 4 stars; one submission).

Conditions:
Hereditary cancer-predisposing syndrome. Also called: Hereditary Cancer Syndrome; Neoplastic Syndromes, Hereditary; Tumor predisposition; Hereditary neoplastic syndrome. Identifiers: Orphanet 140162, MedGen C0027672, MeSH D009386, MONDO:0015356.

Submission:

Ambry Genetics
Classification: Uncertain significance for Hereditary cancer-predisposing syndrome. Last evaluated: 2026-06-17. Review status: criteria provided, single submitter. Criteria: Ambry Variant Classification Scheme 2023. Collection method: clinical testing. Allele origin: germline.
Comment: The p.H227Q variant (also known as c.681T>A), located in coding exon 7 of the EPCAM gene, results from a T to A substitution at nucleotide position 681. The histidine at codon 227 is replaced by glutamine, an amino acid with highly similar properties. This amino acid position is conserved. In addition, this alteration is predicted to be tolerated by in silico analysis. Based on the available evidence, the clinical significance of this variant remains unclear.